The following is an entry in ClinVar:

ClinVar aggregate classification (germline): Likely pathogenic. Review status: criteria provided, multiple submitters, no conflicts (2 of 4 stars). 3 submissions from 3 submitters: Likely pathogenic (3). Last evaluated 2024-05-18.

Conditions:
Glutaric aciduria, type 1. Also called: Glutaricacidemia Type 1; Glutaric Acidemia Type 1; Glutaryl-CoA dehydrogenase deficiency; Glutaric acidemia type I; Glutaricaciduria, type I; GA I. Identifiers: Orphanet 25, MedGen C0268595, MONDO:0009281, OMIM 231670.

Allele frequency attached by ClinVar (database versions not stated): ExAC 0.00001; gnomAD exomes 0.00001; TOPMed 0.00001.

Submissions (3):

Fulgent Genetics
Classification: Likely pathogenic for Glutaric aciduria, type 1. Last evaluated: 2024-05-18. Review status: criteria provided, single submitter. Criteria: ACMG Guidelines, 2015. Collection method: clinical testing. Allele origin: germline.

Victorian Clinical Genetics Services, Murdoch Childrens Research Institute
Classification: Likely pathogenic for Glutaric aciduria, type 1. Last evaluated: 2023-07-17. Review status: criteria provided, single submitter. Criteria: ACMG Guidelines, 2015. Collection method: clinical testing. Allele origin: germline. Inheritance: Autosomal recessive inheritance. Affected: no.
Comment: Based on the classification scheme VCGS_Germline_v1.3.4, this variant is classified as Likely pathogenic. Following criteria are met: 0102 - Loss of function is a known mechanism of disease in this gene and is associated with glutaricaciduria, type I (MIM#231670). (I) 0106 - This gene is associated with autosomal recessive disease. (I) 0115 - Variants in this gene are known to have variable expressivity (GeneReviews). (I) 0200 - Variant is predicted to result in a missense amino acid change from leucine to phenylalanine. (I) 0251 - This variant is heterozygous. (I) 0304 - Variant is present in gnomAD <0.01 for a recessive condition (v2: 3 heterozygotes, 0 homozygotes). (SP) 0309 - An alternative amino acid change at the same position has been observed in gnomAD (v2: 4 heterozygotes, 0 homozygotes). (I) 0501 - Missense variant consistently predicted to be damaging by multiple in silico tools or highly conserved with a major amino acid change. (SP) 0600 - Variant is located in the annotated acyl-CoA dehydrogenase, middle domain (DECIPHER). (I) 0702 - Other missense variants comparable to the one identified in this case have strong previous evidence for pathogenicity. A change to arginine has been reported as VUS; however, more recently it has been classified as pathogenic in ClinVar and detected in three unrelated Indian families with glutaricaciduria (PMID: 34504725). A substitution to valine has been reported as pathogenic in ClinVar and described in a homozygous individual with glutaricaciduria (PMID: 34504725). In addition, a change to proline was shown heterozygous in both parents of a deceased baby with glutaricaciduria; however, genetic testing was not done for the baby (PMID: 34512980). (SP) 0809 - Previous evidence of pathogenicity for this variant is inconclusive. ClinVar has an entry from Invitae for this variant regarding it as likely pathogenic; however, all individuals are presumably health adults completing carrier screening (personal communication). (I) 0905 - No published segregation evidence has been identified for this variant. (I) 1007 - No published functional evidence has been identified for this variant. (I) 1208 - Inheritance information for this variant is not currently available in this individual. (I) Legend: (SP) - Supporting pathogenic, (I) - Information, (SB) - Supporting benign

Labcorp Genetics (formerly Invitae), Labcorp
Classification: Likely pathogenic for Glutaric aciduria, type 1. Last evaluated: 2023-06-06. Review status: criteria provided, single submitter. Criteria: Invitae Variant Classification Sherloc (09022015). Collection method: clinical testing. Allele origin: germline.
Comment: In summary, the currently available evidence indicates that the variant is pathogenic, but additional data are needed to prove that conclusively. Therefore, this variant has been classified as Likely Pathogenic. This variant disrupts the p.Leu179 amino acid residue in GCDH. Other variant(s) that disrupt this residue have been determined to be pathogenic (PMID: 34504725). This suggests that this residue is clinically significant, and that variants that disrupt this residue are likely to be disease-causing. Advanced modeling of protein sequence and biophysical properties (such as structural, functional, and spatial information, amino acid conservation, physicochemical variation, residue mobility, and thermodynamic stability) performed at Invitae indicates that this missense variant is expected to disrupt GCDH protein function. ClinVar contains an entry for this variant (Variation ID: 2160883). This variant has not been reported in the literature in individuals affected with GCDH-related conditions. This variant is present in population databases (rs201714645, gnomAD 0.002%). This sequence change replaces leucine, which is neutral and non-polar, with phenylalanine, which is neutral and non-polar, at codon 179 of the GCDH protein (p.Leu179Phe).

Literature cited by the submitters: PubMed 34504725 (cited by Victorian Clinical Genetics Services, Murdoch Childrens Research Institute and Labcorp Genetics (formerly Invitae), Labcorp); PubMed 34512980 (cited by Victorian Clinical Genetics Services, Murdoch Childrens Research Institute).

NM_000159.4(GCDH):c.535C>T (p.Leu179Phe)

Gene: GCDH (glutaryl-CoA dehydrogenase; plus strand). Cytogenetic location: 19p13.13.
Variant type: single nucleotide variant.
Coding change: c.535C>T on transcript NM_000159.4 (MANE Select); coding-DNA position 535, C replaced by T.
Protein change: p.Leu179Phe; replaces leucine 179 with phenylalanine.
Molecular consequence: missense variant. On other transcripts: non-coding transcript variant (2).
Genome position (GRCh38, 1-based): chr19:12,896,021, C>T. VCF-style: chr19-12896021-C-T. GRCh37 (hg19) VCF-style: chr19-13006835-C-T.
Other names: c.535C>T, p.Leu179Phe (NM_013976.5); c.535C>T (NM_000159.3); short protein forms L179F.
Identifiers: ClinVar variation 2160883 (VCV002160883.6), dbSNP rs201714645, ClinGen allele CA9234424.